The following is an entry in ClinVar:

NM_000038.6(APC):c.1289G>T (p.Gly430Val)

Gene: APC (APC regulator of Wnt signaling pathway; plus strand). Cytogenetic location: 5q22.2.
Variant type: single nucleotide variant.
Coding change: c.1289G>T on transcript NM_000038.6 (MANE Select); coding-DNA position 1289, G replaced by T.
Protein change: p.Gly430Val; replaces glycine 430 with valine.
Molecular consequence: missense variant. On other transcripts: non-coding transcript variant (2).
Genome position (GRCh38, 1-based): chr5:112,819,321, G>T. VCF-style: chr5-112819321-G-T. GRCh37 (hg19) VCF-style: chr5-112155018-G-T.
Other names: c.1289G>T, p.Gly430Val (NM_001127510.3, NM_001354895.2, NM_001354896.2 and 4 more transcripts); c.1235G>T, p.Gly412Val (NM_001127511.3); c.1319G>T, p.Gly440Val (NM_001354897.2, NM_001407446.1); c.1214G>T, p.Gly405Val (NM_001354898.2, NM_001407451.1); c.1205G>T, p.Gly402Val (NM_001354899.2, NM_001407452.1); c.1112G>T, p.Gly371Val (NM_001354900.2, NM_001354901.2, NM_001407453.1); c.1016G>T, p.Gly339Val (NM_001354902.2); c.986G>T, p.Gly329Val (NM_001354903.2, NM_001407454.1, NM_001407455.1 and 5 more transcripts); and 5 more; short protein forms G304V, G371V, G405V, G147V, G412V, G46V, G270V, G301V.
Identifiers: ClinVar variation 2774727 (VCV002774727.5), dbSNP rs1060503317, ClinGen allele CA16024130.

ClinVar aggregate classification (germline): Uncertain significance. Review status: criteria provided, multiple submitters, no conflicts (2 of 4 stars). 2 submissions from 2 submitters: Uncertain significance (2). Last evaluated 2024-03-07.

Conditions:
Hereditary cancer-predisposing syndrome. Also called: Neoplastic Syndromes, Hereditary; Tumor predisposition; Hereditary Cancer Syndrome; Hereditary neoplastic syndrome. Identifiers: Orphanet 140162, MedGen C0027672, MeSH D009386, MONDO:0015356.
Familial adenomatous polyposis 1 (FAP1). Also called: FAMILIAL ADENOMATOUS POLYPOSIS 1, ATTENUATED; POLYPOSIS, ADENOMATOUS INTESTINAL. Identifiers: MedGen C2713442, MONDO:0021056, OMIM 175100. Disease mechanism: loss of function.

Submissions (2):

Color Diagnostics, LLC DBA Color Health
Classification: Uncertain significance for Hereditary cancer-predisposing syndrome. Last evaluated: 2024-03-07. Review status: criteria provided, single submitter. Criteria: ACMG Guidelines, 2015. Collection method: clinical testing. Allele origin: germline.
Comment: This missense variant replaces glycine with valine at codon 430 of the APC protein. Computational prediction suggests that this variant may have deleterious impact on protein structure and function (internally defined REVEL score threshold >= 0.7, PMID: 27666373). To our knowledge, functional studies have not been reported for this variant. This variant has not been reported in individuals affected with hereditary cancer in the literature. This variant has not been identified in the general population by the Genome Aggregation Database (gnomAD). The available evidence is insufficient to determine the role of this variant in disease conclusively. Therefore, this variant is classified as a Variant of Uncertain Significance.

Labcorp Genetics (formerly Invitae), Labcorp
Classification: Uncertain significance for Familial adenomatous polyposis 1. Last evaluated: 2023-05-15. Review status: criteria provided, single submitter. Criteria: Invitae Variant Classification Sherloc (09022015). Collection method: clinical testing. Allele origin: germline.
Comment: In summary, the available evidence is currently insufficient to determine the role of this variant in disease. Therefore, it has been classified as a Variant of Uncertain Significance. Advanced modeling of protein sequence and biophysical properties (such as structural, functional, and spatial information, amino acid conservation, physicochemical variation, residue mobility, and thermodynamic stability) performed at Invitae indicates that this missense variant is not expected to disrupt APC protein function. This variant has not been reported in the literature in individuals affected with APC-related conditions. This variant is not present in population databases (gnomAD no frequency). This sequence change replaces glycine, which is neutral and non-polar, with valine, which is neutral and non-polar, at codon 430 of the APC protein (p.Gly430Val).